The following is an entry in ClinVar:

ClinVar aggregate classification (germline): Likely benign (1 of 4 stars; one submission).

gnomAD v4.1: 110 of 1,612,910 alleles (0.0068%); highest among the groups gnomAD compares: East Asian, 0.0089%; no homozygotes.

Submission:

CeGaT Center for Human Genetics Tuebingen
Classification: Likely benign. Last evaluated: 2025-02-01. Review status: criteria provided, single submitter. Criteria: CeGaT Center For Human Genetics Tuebingen Variant Classification Criteria Version 2. Collection method: clinical testing. Allele origin: germline. Affected: yes. Observed: 1 variant allele.
Comment: UBE2R2: BP4, BP7

NM_017811.4(UBE2R2):c.297G>A (p.Pro99=)

Gene: UBE2R2 (ubiquitin conjugating enzyme E2 R2; plus strand). Cytogenetic location: 9p13.3.
Variant type: single nucleotide variant.
Coding change: c.297G>A on transcript NM_017811.4 (MANE Select); coding-DNA position 297, G replaced by A.
Protein change: p.Pro99=; no amino-acid change (proline 99 retained).
Molecular consequence: synonymous variant.
Genome position (GRCh38, 1-based): chr9:33,900,206, G>A. VCF-style: chr9-33900206-G-A. GRCh37 (hg19) VCF-style: chr9-33900204-G-A.
Identifiers: ClinVar variation 3771664 (VCV003771664.13).